The following is an entry in ClinVar:

ClinVar aggregate classification (germline): Pathogenic (1 of 4 stars; one submission).

Submission:

Labcorp Genetics (formerly Invitae), Labcorp
Classification: Pathogenic. Last evaluated: 2024-07-23. Review status: criteria provided, single submitter. Criteria: Invitae Variant Classification Sherloc (09022015). Collection method: clinical testing. Allele origin: germline.
Comment: This sequence change creates a premature translational stop signal (p.Leu1572Hisfs*11) in the MCM3AP gene. It is expected to result in an absent or disrupted protein product. Loss-of-function variants in MCM3AP are known to be pathogenic (PMID: 28633435). This variant is not present in population databases (gnomAD no frequency). This variant has not been reported in the literature in individuals affected with MCM3AP-related conditions. For these reasons, this variant has been classified as Pathogenic.

Literature cited by the submitters: PubMed 28633435.

NM_003906.5(MCM3AP):c.4715_4716del (p.Leu1572fs)

Genes: MCM3AP-AS1 (MCM3AP antisense RNA 1; plus strand), MCM3AP (minichromosome maintenance complex component 3 associated protein; minus strand). Cytogenetic location: 21q22.3.
Variant type: Microsatellite.
Coding change: c.4715_4716del on transcript NM_003906.5 (MANE Select); coding-DNA positions 4715 to 4716, 2 bases deleted (TC; older notation c.4715_4716delTC).
Protein change: p.Leu1572fs; shifts the reading frame from leucine 1572.
Molecular consequence: frameshift variant.
Genome position (GRCh38, 1-based): chr21:46,245,129-46,245,130, GA deleted on the plus strand (TC on the coding strand, the reverse complement: MCM3AP is on the minus strand); deleting any 2 consecutive bases within chr21:46,245,129-46,245,133 gives the same sequence; the c. name uses the placement nearest the transcript's 3' end. VCF-style (leftmost placement, unchanged base first): chr21-46245128-TGA-T. GRCh37 (hg19) VCF-style: chr21-47665042-TGA-T.
Other names: short protein forms L1572fs.
Identifiers: ClinVar variation 3622109 (VCV003622109.2).